The following is an entry in ClinVar:

NM_004958.4(MTOR):c.1270G>A (p.Val424Ile)

Gene: MTOR (mechanistic target of rapamycin kinase; minus strand). Cytogenetic location: 1p36.22.
Variant type: single nucleotide variant.
Coding change: c.1270G>A on transcript NM_004958.4 (MANE Select); coding-DNA position 1270, G replaced by A.
Protein change: p.Val424Ile; replaces valine 424 with isoleucine.
Molecular consequence: missense variant.
Genome position (GRCh38, 1-based): chr1:11,243,256, C>T on the plus strand (G>A on the coding strand, the complement: MTOR is on the minus strand). VCF-style: chr1-11243256-C-T. GRCh37 (hg19) VCF-style: chr1-11303313-C-T.
Other names: c.1270G>A (LRG_734t1); short protein forms V424I.
Identifiers: ClinVar variation 652243 (VCV000652243.9), dbSNP rs571723861, ClinGen allele CA590766.

ClinVar aggregate classification (germline): Uncertain significance (1 of 4 stars; one submission).

Allele frequency attached by ClinVar (database versions not stated): gnomAD exomes below 0.00001; ExAC 0.00001; gnomAD 0.00001; 1000 Genomes Project 30x 0.00016; 1000 Genomes Project 0.00020.
gnomAD v4.1: 3 of 1,614,206 alleles (0.00019%); highest among the groups gnomAD compares: East Asian, 0.0045%; no homozygotes.

Submission:

Labcorp Genetics (formerly Invitae), Labcorp
Classification: Uncertain significance. Last evaluated: 2020-03-07. Review status: criteria provided, single submitter. Criteria: Invitae Variant Classification Sherloc (09022015). Collection method: clinical testing. Allele origin: germline.
Comment: This sequence change replaces valine with isoleucine at codon 424 of the MTOR protein (p.Val424Ile). The valine residue is moderately conserved and there is a small physicochemical difference between valine and isoleucine. In summary, the available evidence is currently insufficient to determine the role of this variant in disease. Therefore, it has been classified as a Variant of Uncertain Significance. Algorithms developed to predict the effect of missense changes on protein structure and function (SIFT, PolyPhen-2, Align-GVGD) all suggest that this variant is likely to be tolerated, but these predictions have not been confirmed by published functional studies and their clinical significance is uncertain. This variant has not been reported in the literature in individuals with MTOR-related disease. This variant is present in population databases (rs571723861, ExAC 0.01%).